The following is an entry in ClinVar:

NM_000238.4(KCNH2):c.1469C>T (p.Ala490Val)

Gene: KCNH2 (potassium voltage-gated channel subfamily H member 2; minus strand). Cytogenetic location: 7q36.1.
Variant type: single nucleotide variant.
Coding change: c.1469C>T on transcript NM_000238.4 (MANE Select); coding-DNA position 1469, C replaced by T.
Protein change: p.Ala490Val; replaces alanine 490 with valine.
Molecular consequence: missense variant.
Genome position (GRCh38, 1-based): chr7:150,952,513, G>A on the plus strand (C>T on the coding strand, the complement: KCNH2 is on the minus strand). VCF-style: chr7-150952513-G-A. GRCh37 (hg19) VCF-style: chr7-150649601-G-A.
Other names: c.449C>T, p.Ala150Val (NM_001204798.2, NM_172057.3); c.1181C>T, p.Ala394Val (NM_001406753.1, NM_001406756.1); c.1292C>T, p.Ala431Val (NM_001406755.1); c.1169C>T, p.Ala390Val (NM_001406757.1); c.1469C>T, p.Ala490Val (NM_172056.3); short protein forms A490V, A150V, A431V, A390V, A394V.
Identifiers: ClinVar variation 862292 (VCV000862292.14), dbSNP rs1801214475, ClinGen allele CA369859694.

ClinVar aggregate classification (germline): Conflicting classifications of pathogenicity. Review status: criteria provided, conflicting classifications (1 of 4 stars). 3 submissions from 3 submitters: Likely pathogenic (2); Uncertain significance (1). Last evaluated 2026-02-20.

Conditions:
Long QT syndrome 2 (LQT2). Identifiers: Orphanet 101016, Orphanet 768, MedGen C3150943, MONDO:0013367, OMIM 613688.
Cardiovascular phenotype. Identifiers: MedGen CN230736.
Long QT syndrome (LQTS). Identifiers: MedGen C0023976, MeSH D008133, MONDO:0002442. Disease mechanism: loss of function. Inheritance: Various modes of inheritance.

Submissions (3):

Ambry Genetics
Classification: Likely pathogenic for Cardiovascular phenotype. Last evaluated: 2026-02-20. Review status: criteria provided, single submitter. Criteria: Ambry Variant Classification Scheme 2023. Collection method: clinical testing. Allele origin: germline.
Comment: The c.1469C>T (p.A490V) alteration is located in coding exon 6 of the KCNH2 gene. This alteration results from a C to T substitution at nucleotide position 1469, causing the alanine (A) at amino acid position 490 to be replaced by a valine (V). for KCNH2-related long QT syndrome; however, its clinical significance for KCNH2-related short QT syndrome is uncertain This variant was not reported in population-based cohorts in the Genome Aggregation Database (gnomAD). Another variant at the same codon, c.1468G>A (p.A490T), has been identified in individuals with features consistent with KCNH2-related long QT syndrome and segregated with disease in at least one family (Yoshida, 2001; Zhang, 2008; Kapplinger, 2009). This amino acid position is highly conserved in available vertebrate species. This missense variant is located in a region that has a low rate of benign missense variation (Lek, 2016; Firth, 2009). This alteration is predicted to be deleterious by in silico analysis. Based on the available evidence, this alteration is classified as likely pathogenic.

Labcorp Genetics (formerly Invitae), Labcorp
Classification: Uncertain significance for Long QT syndrome. Last evaluated: 2022-10-25. Review status: criteria provided, single submitter. Criteria: Invitae Variant Classification Sherloc (09022015). Collection method: clinical testing. Allele origin: germline.
Comment: This sequence change replaces alanine, which is neutral and non-polar, with valine, which is neutral and non-polar, at codon 490 of the KCNH2 protein (p.Ala490Val). This variant is not present in population databases (gnomAD no frequency). This variant has not been reported in the literature in individuals affected with KCNH2-related conditions. ClinVar contains an entry for this variant (Variation ID: 862292). Algorithms developed to predict the effect of missense changes on protein structure and function (SIFT, PolyPhen-2, Align-GVGD) all suggest that this variant is likely to be disruptive. This variant disrupts the p.Ala490 amino acid residue in KCNH2. Other variant(s) that disrupt this residue have been determined to be pathogenic (PMID: 11170080, 18808722, 20975234; s23303164). This suggests that this residue is clinically significant, and that variants that disrupt this residue are likely to be disease-causing. In summary, the available evidence is currently insufficient to determine the role of this variant in disease. Therefore, it has been classified as a Variant of Uncertain Significance.

MVZ Martinsried, Medicover Genetics
Classification: Likely pathogenic for Long QT syndrome 2. Last evaluated: 2020-08-20. Review status: criteria provided, single submitter. Criteria: ACGS Guidelines, 2020. Collection method: clinical testing. Allele origin: unknown. Affected: yes.

Literature cited by the submitters: PubMed 11170080 (cited by Ambry Genetics and Labcorp Genetics (formerly Invitae), Labcorp); PubMed 17560885 (cited by Ambry Genetics); PubMed 18808722 (cited by Ambry Genetics and Labcorp Genetics (formerly Invitae), Labcorp); PubMed 19716085 (cited by Ambry Genetics); PubMed 20975234 (cited by Ambry Genetics and Labcorp Genetics (formerly Invitae), Labcorp); PubMed 21185501 (cited by Ambry Genetics); PubMed 23303164 (cited by Ambry Genetics).